The following is an entry in ClinVar:

NM_001318510.2(ACSL4):c.68A>G (p.His23Arg)

Gene: ACSL4 (acyl-CoA synthetase long chain family member 4; minus strand). Cytogenetic location: Xq23.
Variant type: single nucleotide variant.
Coding change: c.68A>G on transcript NM_001318510.2 (MANE Select); coding-DNA position 68, A replaced by G.
Protein change: p.His23Arg; replaces histidine 23 with arginine.
Molecular consequence: missense variant.
Genome position (GRCh38, 1-based): chrX:109,683,296, T>C on the plus strand (A>G on the coding strand, the complement: ACSL4 is on the minus strand). VCF-style: chrX-109683296-T-C. GRCh37 (hg19) VCF-style: chrX-108926525-T-C.
Other names: c.68A>G (NM_004458.2); c.191A>G (NM_022977.2); c.191A>G, p.His64Arg (NM_001318509.2, NM_022977.3); c.68A>G, p.His23Arg (NM_004458.3); short protein forms H64R, H23R.
Identifiers: ClinVar variation 807803 (VCV000807803.46), dbSNP rs199837852, ClinGen allele CA10491243.

ClinVar aggregate classification (germline): Conflicting classifications of pathogenicity. Review status: criteria provided, conflicting classifications (1 of 4 stars). 4 submissions from 4 submitters: Uncertain significance (3); Likely benign (1). Last evaluated 2025-02-13.

Conditions:
ACSL4-related disorder. Also called: ACSL4-related condition.
Inborn genetic diseases. Identifiers: MedGen C0950123, MeSH D030342.
Intellectual developmental disorder, X-linked 63. Also called: Intellectual disability, X-linked 63; MENTAL RETARDATION, X-LINKED 68. Identifiers: Orphanet 777, MedGen C1845672, MONDO:0010313, OMIM 300387.

Allele frequency attached by ClinVar (database versions not stated): gnomAD exomes 0.00002 and 0.00001; ExAC 0.00002; 1000 Genomes Project 0.00053; TOPMed 0.00063; gnomAD 0.00024; 1000 Genomes Project 30x 0.00062.
gnomAD v4.1: 55 of 1,210,453 alleles (0.0045%); highest among the groups gnomAD compares: Admixed American, 0.068%; no homozygotes.

Submissions (4):

PreventionGenetics, part of Exact Sciences
Classification: Likely benign for ACSL4-related condition. Last evaluated: 2025-02-13. Review status: criteria provided, single submitter. Criteria: ACMG Guidelines, 2015. Collection method: clinical testing. Allele origin: germline.
Comment: This variant is classified as likely benign based on ACMG/AMP sequence variant interpretation guidelines (Richards et al. 2015 PMID: 25741868, with internal and published modifications).

Ambry Genetics
Classification: Uncertain significance for Inborn genetic diseases. Last evaluated: 2022-06-24. Review status: criteria provided, single submitter. Criteria: Ambry Variant Classification Scheme 2023. Collection method: clinical testing. Allele origin: germline.

Fulgent Genetics
Classification: Uncertain significance for Intellectual developmental disorder, X-linked 63. Last evaluated: 2022-01-03. Review status: criteria provided, single submitter. Criteria: ACMG Guidelines, 2015. Collection method: clinical testing. Allele origin: unknown.

CeGaT Center for Human Genetics Tuebingen
Classification: Uncertain significance. Last evaluated: 2016-10-01. Review status: criteria provided, single submitter. Criteria: CeGaT Center For Human Genetics Tuebingen Variant Classification Criteria Version 2. Collection method: clinical testing. Allele origin: germline. Affected: yes. Observed: 1 variant allele.